The following is an entry in ClinVar:

NM_002225.5(IVD):c.144+1G>A

Gene: IVD (isovaleryl-CoA dehydrogenase; plus strand). Cytogenetic location: 15q15.1.
Variant type: single nucleotide variant.
Coding change: c.144+1G>A on transcript NM_002225.5 (MANE Select); the canonical splice donor site of the intron after coding-DNA position 144, G replaced by A.
Molecular consequence: splice donor variant. On other transcripts: 5 prime UTR variant (1), non-coding transcript variant (1).
Genome position (GRCh38, 1-based): chr15:40,405,972, G>A. VCF-style: chr15-40405972-G-A. GRCh37 (hg19) VCF-style: chr15-40698173-G-A.
Other names: c.-283G>A (NM_001354597.3); c.144+1G>A (NM_001354600.3, NM_001354598.3, NM_001354601.3 and 2 more transcripts).
Identifiers: ClinVar variation 370705 (VCV000370705.18), dbSNP rs928991928, ClinGen allele CA16041729.

ClinVar aggregate classification (germline): Likely pathogenic. Review status: criteria provided, multiple submitters, no conflicts (2 of 4 stars). 5 submissions from 5 submitters: Likely pathogenic (3). 2 of the submissions do not count toward it. Last evaluated 2025-05-14.

Conditions:
Isovaleryl-CoA dehydrogenase deficiency (IVA). Also called: Isovaleric acidemia; ISOVALERIC ACID CoA DEHYDROGENASE DEFICIENCY; Classic Isovaleric Acidemia; IVD DEFICIENCY. Identifiers: Orphanet 33, MedGen C0268575, MONDO:0009475, OMIM 243500.

Submissions (5):

Variantyx, Inc.
Classification: Likely pathogenic for Isovaleryl-CoA dehydrogenase deficiency. Last evaluated: 2025-05-14. Review status: criteria provided, single submitter. Criteria: Variantyx Assertion Criteria 2022. Collection method: clinical testing. Allele origin: germline. Inheritance: Autosomal recessive inheritance. Affected: no.
Comment: This is a canonical splicing variant in the IVD gene (OMIM: 607036). Pathogenic variants in this gene have been associated with autosomal recessive isovaleric acidemia. This splicing variant is expected to result in loss of function, which is a known disease mechanism for IVD in this disorder (PMID: 16602101) (PVS1), and an alternate change at this position (c.144+1G>T) has been previously reported in affected individuals (PMID:17576084). This variant has a 0.0006% maximum allele frequency in non-founder control populations (PM2). Based on the current evidence, this variant is classified as likely pathogenic for autosomal recessive isovaleric acidemia.

Baylor Genetics
Classification: Likely pathogenic for Isovaleryl-CoA dehydrogenase deficiency. Last evaluated: 2023-11-18. Review status: criteria provided, single submitter. Criteria: ACMG Guidelines, 2015. Collection method: clinical testing. Allele origin: unknown.

Labcorp Genetics (formerly Invitae), Labcorp
Classification: Likely pathogenic for Isovaleryl-CoA dehydrogenase deficiency. Last evaluated: 2022-06-10. Review status: criteria provided, single submitter. Criteria: Invitae Variant Classification Sherloc (09022015). Collection method: clinical testing. Allele origin: germline.
Comment: In summary, the currently available evidence indicates that the variant is pathogenic, but additional data are needed to prove that conclusively. Therefore, this variant has been classified as Likely Pathogenic. Algorithms developed to predict the effect of sequence changes on RNA splicing suggest that this variant may disrupt the consensus splice site. ClinVar contains an entry for this variant (Variation ID: 370705). This variant has not been reported in the literature in individuals affected with IVD-related conditions. This variant is not present in population databases (gnomAD no frequency). This sequence change affects a donor splice site in intron 1 of the IVD gene. It is expected to disrupt RNA splicing. Variants that disrupt the donor or acceptor splice site typically lead to a loss of protein function (PMID: 16199547), and loss-of-function variants in IVD are known to be pathogenic (PMID: 16602101).

Natera, Inc.
Classification: Likely pathogenic for Isovaleryl-coa dehydrogenase deficiency. Last evaluated: 2021-03-09. Review status: no assertion criteria provided. Collection method: clinical testing. Allele origin: germline. Not counted in ClinVar's aggregate classification.

Counsyl
Classification: Likely pathogenic for Isovaleryl-CoA dehydrogenase deficiency. Last evaluated: 2016-03-28. Review status: no assertion criteria provided. Collection method: clinical testing. Allele origin: unknown. Not counted in ClinVar's aggregate classification.

Literature cited by the submitters: PubMed 16602101 (cited by Variantyx, Inc. and Labcorp Genetics (formerly Invitae), Labcorp); PubMed 17576084 (cited by Variantyx, Inc.); PubMed 16199547 (cited by Labcorp Genetics (formerly Invitae), Labcorp).